The following is an entry in ClinVar:

NM_000090.4(COL3A1):c.2632C>T (p.Arg878Cys)

Gene: COL3A1 (collagen type III alpha 1 chain; plus strand). Cytogenetic location: 2q32.2.
Variant type: single nucleotide variant.
Coding change: c.2632C>T on transcript NM_000090.4 (MANE Select); coding-DNA position 2632, C replaced by T.
Protein change: p.Arg878Cys; replaces arginine 878 with cysteine.
Molecular consequence: missense variant.
Genome position (GRCh38, 1-based): chr2:189,003,758, C>T. VCF-style: chr2-189003758-C-T. GRCh37 (hg19) VCF-style: chr2-189868484-C-T.
Other names: short protein forms R878C.
Identifiers: ClinVar variation 3071554 (VCV003071554.1), dbSNP rs766967934, ClinGen allele CA075486.

ClinVar aggregate classification (germline): Uncertain significance (1 of 4 stars; one submission).

Conditions:
Ehlers-Danlos syndrome, type 4 (EDSVASC). Also called: Ehlers-Danlos Syndrome Type IV; Ehlers-Danlos syndrome vascular type; Ehlers Danlos syndrome, ecchymotic type; Ehlers Danlos syndrome, arterial type; Ehlers Danlos syndrome, Sack-Barabas type. Identifiers: Orphanet 286, MedGen C0268338, MONDO:0017314, OMIM 130050.

Allele frequency attached by ClinVar (database versions not stated): gnomAD exomes below 0.00001; ExAC 0.00001.
gnomAD v4.1: 1 of 1,614,012 alleles (0.000062%); highest among the groups gnomAD compares: Non-Finnish European, 0.000085%; no homozygotes.

Submission:

All of Us Research Program, National Institutes of Health
Classification: Uncertain significance for Ehlers-Danlos syndrome, type 4. Last evaluated: 2023-06-08. Review status: criteria provided, single submitter. Criteria: ACMG Guidelines, 2015. Collection method: clinical testing. Allele origin: germline. Inheritance: Autosomal dominant inheritance. Observed: 1 variant allele, 1 heterozygote.
Comment: This missense variant replaces arginine with cysteine at codon 878 of the COL3A1 protein. Computational prediction is inconclusive regarding the impact of this variant on protein structure and function (internally defined REVEL score threshold 0.5 < inconclusive < 0.7, PMID: 27666373). To our knowledge, functional studies have not been reported for this variant. This variant has not been reported in individuals affected with COL3A1-related disorders in the literature. This variant has been identified in 1/251436 chromosomes in the general population by the Genome Aggregation Database (gnomAD). The available evidence is insufficient to determine the role of this variant in disease conclusively. Therefore, this variant is classified as a Variant of Uncertain Significance.

This study involves interpretation of variants in research participants for the purpose of population health screening. Participant phenotype was not available at the time of variant classification. Additional details can be found in publication PMID: 35346344, PMCID: PMC8962531